The following is an entry in ClinVar:

ClinVar aggregate classification (germline): Likely benign. Review status: reviewed by expert panel (3 of 4 stars). 6 submissions from 5 submitters: Likely benign (1). 5 of the submissions do not count toward it. Last evaluated 2026-10-12.

Conditions:
CYP1B1-related glaucoma with or without anterior segment dysgenesis. Identifiers: MedGen CN375931, MONDO:0800472.
Congenital glaucoma. Identifiers: MedGen C0020302, MONDO:0020366.
Glaucoma 3A. Also called: Glaucoma 3, primary congenital, A. Identifiers: Orphanet 98976, Orphanet 98977, MedGen C1856439, MONDO:0009277, OMIM 231300.
Irido-corneo-trabecular dysgenesis (ASGD5). Also called: ANTERIOR SEGMENT DYSGENESIS 5. Identifiers: Orphanet 708, MedGen C0344559, MONDO:0011414, OMIM 604229, HP:0000659.

Allele frequency attached by ClinVar (database versions not stated): gnomAD exomes 0.00066 and 0.00090; ExAC 0.00091; ESP Exome Variant Server 0.00103; gnomAD 0.00117 and 0.00121; TOPMed 0.00154; 1000 Genomes Project 0.00160; 1000 Genomes Project 30x 0.00203.

Submissions (6):

ClinGen Glaucoma Variant Curation Expert Panel
Classification: Likely benign for CYP1B1-related glaucoma with or without anterior segment dysgenesis. Last evaluated: 2026-10-12. Review status: reviewed by expert panel. Criteria: ClinGen Glaucoma ACMG Specifications CYP1B1 V2.0. Collection method: curation. Allele origin: germline. Inheritance: Autosomal recessive inheritance.
Comment: The c.1078T>C variant in CYP1B1 is a synonymous variant (p.Leu360=). The highest minor allele frequency of this variant was in the Middle Eastern genetic ancestry group of gnomAD (v4.1) = 0.005939 (36 alleles out of 6,062), which did not meet the PM2_Supporting allele frequency threshold (≤ 0.0005) or the BS1 allele frequency threshold (≥ 0.01). The SpliceAI score = 0, which met the ≤ 0.1 threshold for BP4, suggesting that the variant does not impact CYP1B1 function. This synonymous variant is located outside of the first and the last 3 bases of the exon and BP4 is met, so BP7 is met. There was no functional evidence predicting a damaging or benign impact of this variant on CYP1B1 function. This variant has been identified in individuals with a CYP1B1-related phenotype, however BP4 is met, therefore PM3 was not assessed. In summary, this variant met the criteria to receive a score of -2 and to be classified as likely benign (likely benign classification range -2 to -6, adapted from PMID: 32720330) for CYP1B1-related glaucoma with or without anterior segment dysgenesis (ASD) based on the ACMG/AMP criteria met, as specified by the ClinGen Glaucoma VCEP (v2.0, 16.07.2026): BP4, BP7.

Labcorp Genetics (formerly Invitae), Labcorp
Classification: Likely benign for Congenital glaucoma. Last evaluated: 2026-02-04. Review status: criteria provided, single submitter. Criteria: Invitae Variant Classification Sherloc (09022015). Collection method: clinical testing. Allele origin: germline. Not counted in ClinVar's aggregate classification.

Blueprint Genetics
Classification: Likely benign. Last evaluated: 2024-11-26. Review status: criteria provided, single submitter. Criteria: ACMG Guidelines, 2015. Collection method: clinical testing. Allele origin: germline. Not counted in ClinVar's aggregate classification.

CeGaT Center for Human Genetics Tuebingen
Classification: Likely benign. Last evaluated: 2022-03-01. Review status: criteria provided, single submitter. Criteria: CeGaT Center For Human Genetics Tuebingen Variant Classification Criteria Version 2. Collection method: clinical testing. Allele origin: germline. Affected: yes. Observed: 1 variant allele. Not counted in ClinVar's aggregate classification.
Comment: CYP1B1: BP4, BP7

Illumina Laboratory Services, Illumina
Classification: Uncertain significance for Glaucoma 3A. Last evaluated: 2017-04-27. Review status: criteria provided, single submitter. Criteria: ICSL Variant Classification Criteria 13 December 2019. Collection method: clinical testing. Allele origin: germline. Not counted in ClinVar's aggregate classification.
Comment: This variant was observed as part of a predisposition screen in an ostensibly healthy population. A literature search was performed for the gene, cDNA change, and amino acid change (where applicable). Publications were found based on this search. However, the evidence from the literature, in combination with allele frequency data from public databases where available, was not sufficient to rule this variant in or out of causing disease. Therefore, this variant is classified as a variant of unknown significance.

Illumina Laboratory Services, Illumina
Classification: Uncertain significance for Irido-corneo-trabecular dysgenesis. Last evaluated: 2017-04-27. Review status: criteria provided, single submitter. Criteria: ICSL Variant Classification Criteria 13 December 2019. Collection method: clinical testing. Allele origin: germline. Not counted in ClinVar's aggregate classification.
Comment: the same text as in the submission from Illumina Laboratory Services, Illumina above.

Literature cited by the submitters: PubMed 25950505 (cited by Illumina Laboratory Services, Illumina); PubMed 20664688 (cited by Illumina Laboratory Services, Illumina); PubMed 15342693 (cited by Illumina Laboratory Services, Illumina).

NM_000104.4(CYP1B1):c.1078T>C (p.Leu360=)

Gene: CYP1B1 (cytochrome P450 family 1 subfamily B member 1; minus strand). Cytogenetic location: 2p22.2.
Variant type: single nucleotide variant.
Coding change: c.1078T>C on transcript NM_000104.4 (MANE Select); coding-DNA position 1078, T replaced by C.
Protein change: p.Leu360=; no amino-acid change (leucine 360 retained).
Molecular consequence: synonymous variant.
Genome position (GRCh38, 1-based): chr2:38,071,276, A>G on the plus strand (T>C on the coding strand, the complement: CYP1B1 is on the minus strand). VCF-style: chr2-38071276-A-G. GRCh37 (hg19) VCF-style: chr2-38298419-A-G.
Other names: NM_000104.4:c.1078T>C.
Identifiers: ClinVar variation 707692 (VCV000707692.38), dbSNP rs141245683, ClinGen allele CA1619867.